The following is an entry in ClinVar:

ClinVar aggregate classification (germline): Conflicting classifications of pathogenicity. Review status: criteria provided, conflicting classifications (1 of 4 stars). 2 submissions from 2 submitters: Likely pathogenic (1); Uncertain significance (1). Last evaluated 2022-12-06.

Conditions:
Hypotrichosis 7 (HYPT7). Also called: HYPOTRICHOSIS, LOCALIZED, AUTOSOMAL RECESSIVE 2; HYPOTRICHOSIS, AUTOSOMAL RECESSIVE. Identifiers: Orphanet 55654, MedGen C1836672, MONDO:0011452, OMIM 604379.

Submissions (2):

Department of Pathology and Laboratory Medicine, Sinai Health System
Classification: Uncertain significance for Hypotrichosis 7. Last evaluated: 2022-12-06. Review status: criteria provided, single submitter. Criteria: ACMG Guidelines, 2015. Collection method: research. Allele origin: germline.

Juno Genomics, Hangzhou Juno Genomics, Inc
Classification: Likely pathogenic for Hypotrichosis 7. Review status: criteria provided, single submitter. Criteria: ACMG Guidelines, 2015. Collection method: clinical testing. Allele origin: germline.
Comment: Absent from controls (or at extremely low frequency if recessive) in Genome Aggregation Database.;Multiple lines of computational evidence support a deleterious effect on the gene or gene product.;Patient's phenotype or family history is highly specific for a disease with a single genetic etiology.

NM_139248.3(LIPH):c.614A>G (p.His205Arg)

Gene: LIPH (lipase H; minus strand). Cytogenetic location: 3q27.2.
Variant type: single nucleotide variant.
Coding change: c.614A>G on transcript NM_139248.3 (MANE Select); coding-DNA position 614, A replaced by G.
Protein change: p.His205Arg; replaces histidine 205 with arginine.
Molecular consequence: missense variant.
Genome position (GRCh38, 1-based): chr3:185,527,498, T>C on the plus strand (A>G on the coding strand, the complement: LIPH is on the minus strand). VCF-style: chr3-185527498-T-C. GRCh37 (hg19) VCF-style: chr3-185245286-T-C.
Other names: short protein forms H205R.
Identifiers: ClinVar variation 3891578 (VCV003891578.3).